The following is an entry in ClinVar:

ClinVar aggregate classification (germline): Uncertain significance. Review status: criteria provided, multiple submitters, no conflicts (2 of 4 stars). 2 submissions from 2 submitters: Uncertain significance (2). Last evaluated 2023-06-14.

Conditions:
Norman-Roberts syndrome (LIS2). Also called: Lissencephaly 2 (Norman-Roberts type). Identifiers: Orphanet 89844, MedGen C0796089, MONDO:0009760, OMIM 257320.
Familial temporal lobe epilepsy 7. Identifiers: Orphanet 101046, MedGen C4225327, MONDO:0014639, OMIM 616436.

Allele frequency attached by ClinVar (database versions not stated): gnomAD exomes below 0.00001.
gnomAD v4.1: 4 of 1,614,130 alleles (0.00025%); highest among the groups gnomAD compares: Admixed American, 0.005%; no homozygotes.

Submissions (2):

Labcorp Genetics (formerly Invitae), Labcorp
Classification: Uncertain significance for Familial temporal lobe epilepsy 7; Norman-Roberts syndrome. Last evaluated: 2023-06-14. Review status: criteria provided, single submitter. Criteria: Invitae Variant Classification Sherloc (09022015). Collection method: clinical testing. Allele origin: germline.
Comment: Advanced modeling of protein sequence and biophysical properties (such as structural, functional, and spatial information, amino acid conservation, physicochemical variation, residue mobility, and thermodynamic stability) performed at Invitae indicates that this missense variant is not expected to disrupt RELN protein function. ClinVar contains an entry for this variant (Variation ID: 1678385). This variant has not been reported in the literature in individuals affected with RELN-related conditions. This variant is present in population databases (no rsID available, gnomAD 0.003%). This sequence change replaces asparagine, which is neutral and polar, with tyrosine, which is neutral and polar, at codon 1446 of the RELN protein (p.Asn1446Tyr). In summary, the available evidence is currently insufficient to determine the role of this variant in disease. Therefore, it has been classified as a Variant of Uncertain Significance.

AiLife Diagnostics
Classification: Uncertain significance. Last evaluated: 2021-04-23. Review status: criteria provided, single submitter. Criteria: ACMG Guidelines, 2015. Collection method: clinical testing. Allele origin: germline. Affected: yes. Observed: 1 variant allele.

NM_005045.4(RELN):c.4336A>T (p.Asn1446Tyr)

Gene: RELN (reelin; minus strand). Cytogenetic location: 7q22.1.
Variant type: single nucleotide variant.
Coding change: c.4336A>T on transcript NM_005045.4 (MANE Select); coding-DNA position 4336, A replaced by T.
Protein change: p.Asn1446Tyr; replaces asparagine 1446 with tyrosine.
Molecular consequence: missense variant.
Genome position (GRCh38, 1-based): chr7:103,574,267, T>A on the plus strand (A>T on the coding strand, the complement: RELN is on the minus strand). VCF-style: chr7-103574267-T-A. GRCh37 (hg19) VCF-style: chr7-103214714-T-A.
Other names: c.4336A>T, p.Asn1446Tyr (NM_173054.3); short protein forms N1446Y.
Identifiers: ClinVar variation 1678385 (VCV001678385.4), dbSNP rs1319983959, ClinGen allele CA368751852.